The following is an entry in ClinVar:

NM_002109.6(HARS1):c.1315G>A (p.Glu439Lys)

Gene: HARS1 (histidyl-tRNA synthetase 1; minus strand). Cytogenetic location: 5q31.3.
Variant type: single nucleotide variant.
Coding change: c.1315G>A on transcript NM_002109.6 (MANE Select); coding-DNA position 1315, G replaced by A.
Protein change: p.Glu439Lys; replaces glutamic acid 439 with lysine.
Molecular consequence: missense variant.
Genome position (GRCh38, 1-based): chr5:140,674,822, C>T on the plus strand (G>A on the coding strand, the complement: HARS1 is on the minus strand). VCF-style: chr5-140674822-C-T. GRCh37 (hg19) VCF-style: chr5-140054407-C-T.
Other names: c.1195G>A, p.Glu399Lys (NM_001258040.3); c.1255G>A, p.Glu419Lys (NM_001258041.3); c.1135G>A, p.Glu379Lys (NM_001258042.3); c.1093G>A, p.Glu365Lys (NM_001289092.2); c.973G>A, p.Glu325Lys (NM_001289093.2); c.1228G>A, p.Glu410Lys (NM_001289094.2); short protein forms E325K, E365K, E379K, E399K, E410K, E419K, E439K.
Identifiers: ClinVar variation 1317109 (VCV001317109.2), dbSNP rs2149819759, ClinGen allele CA361247958.

ClinVar aggregate classification (germline): Uncertain significance (1 of 4 stars; one submission).

Submission:

GeneDx
Classification: Uncertain significance. Last evaluated: 2019-03-25. Review status: criteria provided, single submitter. Criteria: GeneDx Variant Classification Process June 2021. Collection method: clinical testing. Allele origin: germline. Affected: yes.
Comment: Not observed in large population cohorts (Lek et al., 2016); In silico analysis, which includes protein predictors and evolutionary conservation, supports a deleterious effect; Has not been previously published as pathogenic or benign to our knowledge